The following is an entry in ClinVar:

NM_017721.5(CC2D1A):c.956C>T (p.Pro319Leu)

Gene: CC2D1A (coiled-coil and C2 domain containing 1A; plus strand). Cytogenetic location: 19p13.12.
Variant type: single nucleotide variant.
Coding change: c.956C>T on transcript NM_017721.5 (MANE Select); coding-DNA position 956, C replaced by T.
Protein change: p.Pro319Leu; replaces proline 319 with leucine.
Molecular consequence: missense variant.
Genome position (GRCh38, 1-based): chr19:13,918,755, C>T. VCF-style: chr19-13918755-C-T. GRCh37 (hg19) VCF-style: chr19-14029568-C-T.
Other names: short protein forms P319L.
Identifiers: ClinVar variation 1308203 (VCV001308203.2), dbSNP rs2145329690, ClinGen allele CA404382308.
Genomic context (GRCh38, chr19:13,918,755, plus strand): 5'-CGGGGGTGCAGCTAACAAGCCCCTCATTGGCCTGGACCTCTCTGTCCCCAGACCAGCTGC[C>T]CCCAGACCCACCGTCACCACCGTCGCAGCCTCCGACCCCCGCTACGGCGCCCTCCACAAC-3'
Protein context (NP_060191.3, residues 309-329): SCLPPPPDQL[Pro319Leu]PDPPSPPSQP

ClinVar aggregate classification (germline): Uncertain significance (1 of 4 stars; one submission).

Allele frequency attached by ClinVar (database versions not stated): gnomAD exomes below 0.00001.
gnomAD v4.1: 2 of 1,611,844 alleles (0.00012%); highest among the groups gnomAD compares: Non-Finnish European, 0.00017%; no homozygotes.

Submission:

GeneDx
Classification: Uncertain significance. Last evaluated: 2019-03-22. Review status: criteria provided, single submitter. Criteria: GeneDx Variant Classification Process June 2021. Collection method: clinical testing. Allele origin: germline. Affected: yes.
Comment: Not observed in large population cohorts (Lek et al., 2016); In silico analysis, which includes protein predictors and evolutionary conservation, supports that this variant does not alter protein structure/function; Has not been previously published as pathogenic or benign to our knowledge